The following is an entry in ClinVar:

ClinVar aggregate classification (germline): Benign/Likely benign. Review status: criteria provided, multiple submitters, no conflicts (2 of 4 stars). 4 submissions from 4 submitters: Benign (2); Likely benign (2). Last evaluated 2026-01-27.

Conditions:
Obesity due to SIM1 deficiency. Identifiers: Orphanet 369873, MedGen C5191050, MONDO:0018244.

Allele frequency attached by ClinVar (database versions not stated): ESP Exome Variant Server 0.00031; 1000 Genomes Project 0.00160; TOPMed 0.00325; gnomAD exomes 0.00330; gnomAD 0.00089; 1000 Genomes Project 30x 0.00156; ExAC 0.00216.
gnomAD v4.1: 1,445 of 1,614,070 alleles (0.09%); highest among the groups gnomAD compares: Admixed American, 2.2%; 14 homozygotes.

Submissions (4):

Labcorp Genetics (formerly Invitae), Labcorp
Classification: Benign. Last evaluated: 2026-01-27. Review status: criteria provided, single submitter. Criteria: Invitae Variant Classification Sherloc (09022015). Collection method: clinical testing. Allele origin: germline.

Illumina Laboratory Services, Illumina
Classification: Likely benign for Obesity due to SIM1 deficiency. Last evaluated: 2017-04-28. Review status: criteria provided, single submitter. Criteria: ICSL Variant Classification Criteria 13 December 2019. Collection method: clinical testing. Allele origin: germline.
Comment: This variant was observed as part of a predisposition screen in an ostensibly healthy population. A literature search was performed for the gene, cDNA change, and amino acid change (where applicable). Publications were found based on this search. The evidence from the literature, in combination with allele frequency data from public databases where available, was sufficient to determine this variant is unlikely to cause disease. Therefore, this variant is classified as likely benign.

Eurofins Ntd Llc (ga)
Classification: Benign. Last evaluated: 2016-02-02. Review status: criteria provided, single submitter. Criteria: EGL Classification Definitions 2015. Collection method: clinical testing. Allele origin: germline. Observed: 1 variant allele, 1 heterozygote.

Breakthrough Genomics
Classification: Likely benign. Review status: criteria provided, single submitter. Criteria: ACMG Guidelines, 2015. Collection method: not provided. Allele origin: germline. Inheritance: Unknown mechanism. Affected: yes.

Literature cited by the submitters: PubMed 21512513 (cited by Illumina Laboratory Services, Illumina); PubMed 19401419 (cited by Illumina Laboratory Services, Illumina).

NM_005068.3(SIM1):c.1082C>T (p.Thr361Ile)

Genes: SIM1 (SIM bHLH transcription factor 1; minus strand), SIM1-AS1 (SIM1 antisense RNA 1; plus strand). Cytogenetic location: 6q16.3.
Variant type: single nucleotide variant.
Coding change: c.1082C>T on transcript NM_005068.3 (MANE Select); coding-DNA position 1082, C replaced by T.
Protein change: p.Thr361Ile; replaces threonine 361 with isoleucine.
Molecular consequence: missense variant.
Genome position (GRCh38, 1-based): chr6:100,420,875, G>A on the plus strand (C>T on the coding strand, the complement: SIM1 is on the minus strand). VCF-style: chr6-100420875-G-A. GRCh37 (hg19) VCF-style: chr6-100868751-G-A.
Other names: c.1082C>T, p.Thr361Ile (NM_001374769.1); short protein forms T361I.
Identifiers: ClinVar variation 285976 (VCV000285976.18), dbSNP rs145479047, ClinGen allele CA3937136.